The following is an entry in ClinVar:

ClinVar aggregate classification (germline): Benign/Likely benign. Review status: criteria provided, multiple submitters, no conflicts (2 of 4 stars). 3 submissions from 2 submitters: Benign (2); Likely benign (1). Last evaluated 2018-06-26.

Conditions:
GTP cyclohydrolase I deficiency. Identifiers: MedGen C0268467, MONDO:0100184.
Dystonia 5 (DRD). Also called: GTP Cyclohydrolase 1-Deficient Dopa-Responsive Dystonia; Dystonia, DOPA-responsive, with or without hyperphenylalaninemia; DYSTONIA, PROGRESSIVE, WITH DIURNAL VARIATION; DYSTONIA-PARKINSONISM WITH DIURNAL FLUCTUATION; DYT-GCH1. Identifiers: Orphanet 98808, MedGen C1851920, MONDO:0007495, OMIM 128230.

Allele frequency attached by ClinVar (database versions not stated): gnomAD 0.00541 and 0.00580; 1000 Genomes Project 30x 0.00547; 1000 Genomes Project 0.00559; TOPMed 0.00606.
gnomAD v4.1: 1,408 of 1,388,276 alleles (0.1%); highest among the groups gnomAD compares: African/African-American, 1.9%; 12 homozygotes.

Submissions (3):

GeneDx
Classification: Likely benign. Last evaluated: 2018-06-26. Review status: criteria provided, single submitter. Criteria: GeneDx Variant Classification Process June 2021. Collection method: clinical testing. Allele origin: germline. Affected: yes.

Illumina Laboratory Services, Illumina
Classification: Benign for GTP cyclohydrolase I deficiency with hyperphenylalaninemia. Last evaluated: 2018-01-13. Review status: criteria provided, single submitter. Criteria: ICSL Variant Classification Criteria 13 December 2019. Collection method: clinical testing. Allele origin: germline.
Comment: This variant was observed in the ICSL laboratory as part of a predisposition screen in an ostensibly healthy population. It had not been previously curated by ICSL or reported in the Human Gene Mutation Database (HGMD: prior to June 1st, 2018), and was therefore a candidate for classification through an automated scoring system. Utilizing variant allele frequency, disease prevalence and penetrance estimates, and inheritance mode, an automated score was calculated to assess if this variant is too frequent to cause the disease. Based on the score and internal cut-off values, a variant classified as benign is not then subjected to further curation. The score for this variant resulted in a classification of benign for this disease.

Illumina Laboratory Services, Illumina
Classification: Benign for Dystonia 5. Last evaluated: 2018-01-13. Review status: criteria provided, single submitter. Criteria: ICSL Variant Classification Criteria 13 December 2019. Collection method: clinical testing. Allele origin: germline.
Comment: the same text as in the submission from Illumina Laboratory Services, Illumina above.

NM_000161.3(GCH1):c.-69G>C

Genes: GCH1 (GTP cyclohydrolase 1; minus strand), LOC130055692 (ATAC-STARR-seq lymphoblastoid silent region 5776; plus strand). Cytogenetic location: 14q22.2.
Variant type: single nucleotide variant.
Coding change: c.-69G>C on transcript NM_000161.3 (MANE Select); 69 bases upstream of the start codon, G replaced by C.
Molecular consequence: 5 prime UTR variant.
Genome position (GRCh38, 1-based): chr14:54,902,732, C>G on the plus strand (G>C on the coding strand, the complement: GCH1 is on the minus strand). VCF-style: chr14-54902732-C-G. GRCh37 (hg19) VCF-style: chr14-55369450-C-G.
Other names: c.-69G>C (NM_001024024.2, NM_001024070.2, NM_001024071.2).
Identifiers: ClinVar variation 882973 (VCV000882973.6), dbSNP rs533157442, ClinGen allele CA14026596.